The following is an entry in ClinVar:

ClinVar aggregate classification (germline): Uncertain significance (1 of 4 stars; one submission).

Conditions:
Multiple endocrine neoplasia, type 2 (MEN2). Identifiers: Orphanet 653, MedGen C4048306, MONDO:0019003. Disease mechanism: gain of function.

Submission:

All of Us Research Program, National Institutes of Health
Classification: Uncertain significance for Multiple endocrine neoplasia, type 2. Last evaluated: 2023-06-28. Review status: criteria provided, single submitter. Criteria: ACMG Guidelines, 2015. Collection method: clinical testing. Allele origin: germline. Inheritance: Autosomal dominant inheritance. Observed: 1 variant allele, 1 heterozygote.
Comment: This study involves interpretation of variants in research participants for the purpose of population health screening. Participant phenotype was not available at the time of variant classification. Additional details can be found in publication PMID: 35346344, PMCID: PMC8962531

NM_020975.6(RET):c.2104A>G (p.Asn702Asp)

Gene: RET (ret proto-oncogene; plus strand). Cytogenetic location: 10q11.21.
Variant type: single nucleotide variant.
Coding change: c.2104A>G on transcript NM_020975.6 (MANE Select); coding-DNA position 2104, A replaced by G.
Protein change: p.Asn702Asp; replaces asparagine 702 with aspartic acid.
Molecular consequence: missense variant.
Genome position (GRCh38, 1-based): chr10:43,114,704, A>G. VCF-style: chr10-43114704-A-G. GRCh37 (hg19) VCF-style: chr10-43610152-A-G.
Other names: c.2104A>G, p.Asn702Asp (NM_000323.2, NM_001406743.1, NM_001406744.1 and 4 more transcripts); c.1342A>G, p.Asn448Asp (NM_001355216.2); c.1975A>G, p.Asn659Asp (NM_001406761.1, NM_001406762.1, NM_001406764.1); c.1969A>G, p.Asn657Asp (NM_001406763.1, NM_001406765.1); c.1816A>G, p.Asn606Asp (NM_001406766.1, NM_001406767.1, NM_001406770.1); c.1840A>G, p.Asn614Asp (NM_001406768.1); c.1708A>G, p.Asn570Asp (NM_001406769.1, NM_001406772.1); c.1666A>G, p.Asn556Asp (NM_001406771.1, NM_001406773.1); and 10 more; short protein forms N219D, N267D, N307D, N358D, N360D, N363D, N372D, N403D.
Identifiers: ClinVar variation 3071737 (VCV003071737.1), dbSNP rs2132854681, ClinGen allele CA376553319.